The following is an entry in ClinVar:

NM_000548.5(TSC2):c.4046C>A (p.Ala1349Glu)

Gene: TSC2 (TSC complex subunit 2; plus strand). Cytogenetic location: 16p13.3.
Variant type: single nucleotide variant.
Coding change: c.4046C>A on transcript NM_000548.5 (MANE Select); coding-DNA position 4046, C replaced by A.
Protein change: p.Ala1349Glu; replaces alanine 1349 with glutamic acid.
Molecular consequence: missense variant.
Genome position (GRCh38, 1-based): chr16:2,084,268, C>A. VCF-style: chr16-2084268-C-A. GRCh37 (hg19) VCF-style: chr16-2134269-C-A.
Other names: c.3845C>A, p.Ala1282Glu (NM_001077183.3); c.3977C>A, p.Ala1326Glu (NM_001114382.3); c.3737C>A, p.Ala1246Glu (NM_001318827.2); c.3701C>A, p.Ala1234Glu (NM_001318829.2); c.3314C>A, p.Ala1105Glu (NM_001318831.2); c.3878C>A, p.Ala1293Glu (NM_001318832.2); c.3848C>A, p.Ala1283Glu (NM_001363528.2); c.3914C>A, p.Ala1305Glu (NM_001370404.1); and 1 more; short protein forms A1234E, A1282E, A1305E, A1306E, A1105E, A1283E, A1246E, A1293E.
Identifiers: ClinVar variation 645415 (VCV000645415.11), dbSNP rs201979616, ClinGen allele CA276753212.

ClinVar aggregate classification (germline): Uncertain significance. Review status: criteria provided, multiple submitters, no conflicts (2 of 4 stars). 3 submissions from 3 submitters: Uncertain significance (3). Last evaluated 2025-06-12.

Conditions:
Tuberous sclerosis 2 (TSC2). Identifiers: Orphanet 805, MedGen C1860707, MONDO:0013199, OMIM 613254.
Hereditary cancer-predisposing syndrome. Also called: Neoplastic Syndromes, Hereditary; Hereditary Cancer Syndrome; Hereditary neoplastic syndrome; Tumor predisposition. Identifiers: Orphanet 140162, MedGen C0027672, MeSH D009386, MONDO:0015356.

Submissions (3):

Labcorp Genetics (formerly Invitae), Labcorp
Classification: Uncertain significance for Tuberous sclerosis 2. Last evaluated: 2025-06-12. Review status: criteria provided, single submitter. Criteria: Invitae Variant Classification Sherloc (09022015). Collection method: clinical testing. Allele origin: germline.
Comment: This sequence change replaces alanine, which is neutral and non-polar, with glutamic acid, which is acidic and polar, at codon 1349 of the TSC2 protein (p.Ala1349Glu). This variant is not present in population databases (gnomAD no frequency). This variant has not been reported in the literature in individuals affected with TSC2-related conditions. ClinVar contains an entry for this variant (Variation ID: 645415). Invitae Evidence Modeling of protein sequence and biophysical properties (such as structural, functional, and spatial information, amino acid conservation, physicochemical variation, residue mobility, and thermodynamic stability) indicates that this missense variant is not expected to disrupt TSC2 protein function with a negative predictive value of 95%. In summary, the available evidence is currently insufficient to determine the role of this variant in disease. Therefore, it has been classified as a Variant of Uncertain Significance.

Ambry Genetics
Classification: Uncertain significance for Hereditary cancer-predisposing syndrome. Last evaluated: 2022-11-23. Review status: criteria provided, single submitter. Criteria: Ambry Variant Classification Scheme 2023. Collection method: clinical testing. Allele origin: germline.
Comment: The p.A1349E variant (also known as c.4046C>A), located in coding exon 33 of the TSC2 gene, results from a C to A substitution at nucleotide position 4046. The alanine at codon 1349 is replaced by glutamic acid, an amino acid with dissimilar properties. This amino acid position is not well conserved in available vertebrate species. In addition, the in silico prediction for this alteration is inconclusive. Since supporting evidence is limited at this time, the clinical significance of this alteration remains unclear.

Breakthrough Genomics
Classification: Uncertain significance. Review status: criteria provided, single submitter. Criteria: ACMG Guidelines, 2015. Collection method: not provided. Allele origin: germline. Inheritance: Autosomal dominant inheritance. Affected: yes.